The following is an entry in ClinVar:

NC_000016.9:g.(?_77323141)_(77428972_?)del

Gene: ADAMTS18 (ADAM metallopeptidase with thrombospondin type 1 motif 18; minus strand). Cytogenetic location: 16q23.1.
Variant type: Deletion.
Identifiers: ClinVar variation 3243678 (VCV003243678.1).

ClinVar aggregate classification (germline): Uncertain significance (1 of 4 stars; one submission).

Submission:

Labcorp Genetics (formerly Invitae), Labcorp
Classification: Uncertain significance. Last evaluated: 2023-11-13. Review status: criteria provided, single submitter. Criteria: Invitae Variant Classification Sherloc (09022015). Collection method: clinical testing. Allele origin: unknown.
Comment: This variant is a gross deletion of the genomic region encompassing exon(s) 4-22 of the ADAMTS18 gene. While this deletion is not anticipated to lead to nonsense mediated decay, it is expected to disrupt the C-terminus of the protein. This variant has not been reported in the literature in individuals affected with ADAMTS18-related conditions. This variant disrupts a region of the ADAMTS18 protein in which other variant(s) (p.Thr433Asn) have been observed in individuals with ADAMTS18-related conditions (PMID: 26355662, 33456446). This suggests that this is a clinically significant region of the protein, and that variants that disrupt it are likely to be disease-causing. In summary, the available evidence is currently insufficient to determine the role of this variant in disease. Therefore, it has been classified as a Variant of Uncertain Significance.

Literature cited by the submitters: PubMed 26355662; PubMed 33456446.